The following is an entry in ClinVar:

NM_015629.4(PRPF31):c.61G>C (p.Gly21Arg)

Gene: PRPF31 (pre-mRNA processing factor 31; plus strand). Cytogenetic location: 19q13.42.
Variant type: single nucleotide variant.
Coding change: c.61G>C on transcript NM_015629.4 (MANE Select); coding-DNA position 61, G replaced by C.
Protein change: p.Gly21Arg; replaces glycine 21 with arginine.
Molecular consequence: missense variant.
Genome position (GRCh38, 1-based): chr19:54,118,339, G>C. VCF-style: chr19-54118339-G-C. GRCh37 (hg19) VCF-style: chr19-54621719-G-C.
Other names: short protein forms G21R.
Identifiers: ClinVar variation 4778191 (VCV004778191.1).

ClinVar aggregate classification (germline): Uncertain significance (1 of 4 stars; one submission).

Submission:

Labcorp Genetics (formerly Invitae), Labcorp
Classification: Uncertain significance. Last evaluated: 2025-12-09. Review status: criteria provided, single submitter. Criteria: Invitae Variant Classification Sherloc (09022015). Collection method: clinical testing. Allele origin: germline.
Comment: This sequence change replaces glycine, which is neutral and non-polar, with arginine, which is basic and polar, at codon 21 of the PRPF31 protein (p.Gly21Arg). This variant is not present in population databases (gnomAD no frequency). This variant has not been reported in the literature in individuals affected with PRPF31-related conditions. Experimental studies and prediction algorithms are not available or were not evaluated, and the functional significance of this variant is currently unknown. In summary, the available evidence is currently insufficient to determine the role of this variant in disease. Therefore, it has been classified as a Variant of Uncertain Significance.